The following is an entry in ClinVar:

ClinVar aggregate classification (germline): Uncertain significance (1 of 4 stars; one submission).

Allele frequency attached by ClinVar (database versions not stated): TOPMed 0.00001; gnomAD 0.00003.
gnomAD v4.1: 5 of 1,611,620 alleles (0.00031%); highest among the groups gnomAD compares: African/African-American, 0.0053%; no homozygotes.

Submission:

Labcorp Genetics (formerly Invitae), Labcorp
Classification: Uncertain significance. Last evaluated: 2022-06-21. Review status: criteria provided, single submitter. Criteria: Invitae Variant Classification Sherloc (09022015). Collection method: clinical testing. Allele origin: germline.
Comment: This sequence change replaces arginine, which is basic and polar, with lysine, which is basic and polar, at codon 1551 of the CDH23 protein (p.Arg1551Lys). This variant is present in population databases (no rsID available, gnomAD 0.01%). This variant has not been reported in the literature in individuals affected with CDH23-related conditions. Algorithms developed to predict the effect of missense changes on protein structure and function are either unavailable or do not agree on the potential impact of this missense change (SIFT: "Tolerated"; PolyPhen-2: "Not Available"; Align-GVGD: "Class C0"). In summary, the available evidence is currently insufficient to determine the role of this variant in disease. Therefore, it has been classified as a Variant of Uncertain Significance.

NM_022124.6(CDH23):c.4652G>A (p.Arg1551Lys)

Gene: CDH23 (cadherin related 23; plus strand). Cytogenetic location: 10q22.1.
Variant type: single nucleotide variant.
Coding change: c.4652G>A on transcript NM_022124.6 (MANE Select); coding-DNA position 4652, G replaced by A.
Protein change: p.Arg1551Lys; replaces arginine 1551 with lysine.
Molecular consequence: missense variant.
Genome position (GRCh38, 1-based): chr10:71,741,728, G>A. VCF-style: chr10-71741728-G-A. GRCh37 (hg19) VCF-style: chr10-73501485-G-A.
Other names: short protein forms R1551K.
Identifiers: ClinVar variation 2039171 (VCV002039171.1), dbSNP rs1198630283, ClinGen allele CA377129861.